The following is an entry in ClinVar:

NM_000372.5(TYR):c.334T>C (p.Cys112Arg)

Gene: TYR (tyrosinase; plus strand). Cytogenetic location: 11q14.3.
Variant type: single nucleotide variant.
Coding change: c.334T>C on transcript NM_000372.5 (MANE Select); coding-DNA position 334, T replaced by C.
Protein change: p.Cys112Arg; replaces cysteine 112 with arginine.
Molecular consequence: missense variant.
Genome position (GRCh38, 1-based): chr11:89,178,287, T>C. VCF-style: chr11-89178287-T-C. GRCh37 (hg19) VCF-style: chr11-88911455-T-C.
Other names: short protein forms C112R.
Identifiers: ClinVar variation 3721080 (VCV003721080.4).

ClinVar aggregate classification (germline): Conflicting classifications of pathogenicity. Review status: criteria provided, conflicting classifications (1 of 4 stars). 2 submissions from 2 submitters: Pathogenic (1); Uncertain significance (1). Last evaluated 2025-07-21.

Submissions (2):

Women's Health and Genetics/Laboratory Corporation of America, LabCorp
Classification: Uncertain significance. Last evaluated: 2025-07-21. Review status: criteria provided, single submitter. Criteria: LabCorp Variant Classification Summary - May 2015. Collection method: clinical testing. Allele origin: germline.
Comment: Variant summary: TYR c.334T>C (p.Cys112Arg) results in a non-conservative amino acid change in the encoded protein sequence. Algorithms developed to predict the effect of missense changes on protein structure and function all suggest that this variant is likely to be disruptive. The variant was absent in 251356 control chromosomes. c.334T>C has been observed in individuals affected with symptoms associated with Oculocutaneous Albinism (e.g., Wei_2015, internal data). These data indicate that the variant may be associated with disease. To our knowledge, no experimental evidence demonstrating an impact on protein function has been reported. The following publication has been ascertained in the context of this evaluation (PMID: 26165494). ClinVar contains an entry for this variant (Variation ID: 3721080). Based on the evidence outlined above, the variant was classified as VUS-possibly pathogenic.

Labcorp Genetics (formerly Invitae), Labcorp
Classification: Pathogenic. Last evaluated: 2024-09-17. Review status: criteria provided, single submitter. Criteria: Invitae Variant Classification Sherloc (09022015). Collection method: clinical testing. Allele origin: germline.
Comment: This sequence change replaces cysteine, which is neutral and slightly polar, with arginine, which is basic and polar, at codon 112 of the TYR protein (p.Cys112Arg). This variant is not present in population databases (gnomAD no frequency). This missense change has been observed in individual(s) with ocular albinism (PMID: 26165494; internal data). In at least one individual the data is consistent with being in trans (on the opposite chromosome) from a pathogenic variant. Invitae Evidence Modeling of protein sequence and biophysical properties (such as structural, functional, and spatial information, amino acid conservation, physicochemical variation, residue mobility, and thermodynamic stability) indicates that this missense variant is expected to disrupt TYR protein function with a positive predictive value of 80%. For these reasons, this variant has been classified as Pathogenic.

Literature cited by the submitters: PubMed 26165494 (cited by Women's Health and Genetics/Laboratory Corporation of America, LabCorp and Labcorp Genetics (formerly Invitae), Labcorp).